The following is an entry in ClinVar:

ClinVar aggregate classification (germline): Uncertain significance. Review status: reviewed by expert panel (3 of 4 stars). 2 submissions from 2 submitters: Uncertain significance (1). 1 of the submissions does not count toward it. Last evaluated 2024-12-05.

Conditions:
Mucopolysaccharidosis type 1. Also called: IDUA deficiency; MPS I; Mucopolysaccharidosis Type I. Identifiers: Orphanet 579, MedGen C0023786, MONDO:0001586.

Submissions (2):

ClinGen Lysosomal Storage Disorder Variant Curation Expert Panel
Classification: Uncertain significance for Mucopolysaccharidosis type 1. Last evaluated: 2024-12-05. Review status: reviewed by expert panel. Criteria: ClinGen LSD ACMG Specifications IDUA V1.0.0. Collection method: curation. Allele origin: germline. Inheritance: Autosomal recessive inheritance.
Comment: The NM_000203.5:c.1091C>G variant in IDUA is a missense variant predicted to cause substitution of threonine by arginine at amino acid 364 (p.Thr364Arg). To our knowledge, this variant has not been reported in the literature in any individuals with MPS I. This variant is absent in gnomAD v4.1.0. (PM2_Supporting). To our knowledge, the results of functional assays have not been reported for this variant. The computational predictor REVEL gives a score of 0.901 which is above the threshold of 0.773, evidence that correlates with impact to IDUA function at the moderate level based on the specifications of the ClinGen Lysosomal Diseases VCEP (PMID: 36413997; PP3_Moderate). Another missense variant c.1091C>T (p.Thr364Met) (ClinVar Variation ID: 11925) in the same codon has been classified as pathogenic for MPS I by the ClinGen Lysosomal Diseases VCEP (PM5). In summary, this variant meets the criteria to be classified as a VUS for MPS I based on the IDUA-specific ACMG/AMP criteria applied, as specified by the ClinGen Lysosomal Diseases Variant Curation Expert panel (Specifications Version 1.0.0): PM2_Supporting, PP3_Moderate, PM5. (Classification approved by the ClinGen Lysosomal Diseases Variant Curation Expert Panel on December 5, 2024)

Labcorp Genetics (formerly Invitae), Labcorp
Classification: Likely pathogenic for Mucopolysaccharidosis type 1. Last evaluated: 2022-08-20. Review status: criteria provided, single submitter. Criteria: Invitae Variant Classification Sherloc (09022015). Collection method: clinical testing. Allele origin: germline. Not counted in ClinVar's aggregate classification.
Comment: In summary, the currently available evidence indicates that the variant is pathogenic, but additional data are needed to prove that conclusively. Therefore, this variant has been classified as Likely Pathogenic. This variant disrupts the p.Thr364 amino acid residue in IDUA. Other variant(s) that disrupt this residue have been determined to be pathogenic (PMID: 9391892, 16435211, 29801497). This suggests that this residue is clinically significant, and that variants that disrupt this residue are likely to be disease-causing. Advanced modeling of protein sequence and biophysical properties (such as structural, functional, and spatial information, amino acid conservation, physicochemical variation, residue mobility, and thermodynamic stability) performed at Invitae indicates that this missense variant is expected to disrupt IDUA protein function. This variant has not been reported in the literature in individuals affected with IDUA-related conditions. This variant is not present in population databases (gnomAD no frequency). This sequence change replaces threonine, which is neutral and polar, with arginine, which is basic and polar, at codon 364 of the IDUA protein (p.Thr364Arg).

Literature cited by the submitters: PubMed 9391892 (cited by Labcorp Genetics (formerly Invitae), Labcorp); PubMed 16435211 (cited by Labcorp Genetics (formerly Invitae), Labcorp); PubMed 29801497 (cited by Labcorp Genetics (formerly Invitae), Labcorp).

NM_000203.5(IDUA):c.1091C>G (p.Thr364Arg)

Gene: IDUA (alpha-L-iduronidase; plus strand). Cytogenetic location: 4p16.3.
Variant type: single nucleotide variant.
Coding change: c.1091C>G on transcript NM_000203.5 (MANE Select); coding-DNA position 1091, C replaced by G.
Protein change: p.Thr364Arg; replaces threonine 364 with arginine.
Molecular consequence: missense variant. On other transcripts: non-coding transcript variant (1).
Genome position (GRCh38, 1-based): chr4:1,002,387, C>G. VCF-style: chr4-1002387-C-G. GRCh37 (hg19) VCF-style: chr4-996175-C-G.
Other names: NM_000203.5(IDUA):c.1091C>G; p.Thr364Arg; c.695C>G, p.Thr232Arg (NM_001363576.1); short protein forms T232R, T364R.
Identifiers: ClinVar variation 2025155 (VCV002025155.5), dbSNP rs121965032, ClinGen allele CA355963316.